The following is an entry in ClinVar:

ClinVar aggregate classification (germline): Uncertain significance (1 of 4 stars; one submission).

Submission:

CeGaT Center for Human Genetics Tuebingen
Classification: Uncertain significance. Last evaluated: 2024-04-01. Review status: criteria provided, single submitter. Criteria: CeGaT Center For Human Genetics Tuebingen Variant Classification Criteria Version 2. Collection method: clinical testing. Allele origin: germline. Affected: yes. Observed: 1 variant allele.
Comment: OFD1: PM2, BP4

NM_003611.3(OFD1):c.828+4G>T

Gene: OFD1 (OFD1 centriole and centriolar satellite protein; plus strand). Cytogenetic location: Xp22.2.
Variant type: single nucleotide variant.
Coding change: c.828+4G>T on transcript NM_003611.3 (MANE Select); 4 bases into the intron after coding-DNA position 828, G replaced by T.
Molecular consequence: intron variant.
Genome position (GRCh38, 1-based): chrX:13,746,957, G>T. VCF-style: chrX-13746957-G-T. GRCh37 (hg19) VCF-style: chrX-13765076-G-T.
Other names: c.408+4G>T (NM_001330210.2); c.828+4G>T (NM_001330209.2).
Identifiers: ClinVar variation 3234789 (VCV003234789.20), dbSNP rs2146970185, ClinGen allele CA2825002895.